The following is an entry in ClinVar:

ClinVar aggregate classification (germline): Uncertain significance (1 of 4 stars; one submission).

Conditions:
Congenital hyperammonemia, type I. Also called: Carbamoyl phosphate synthetase I deficiency disease; Carbamoyl phosphate synthetase 1 deficiency; Hyperammonemia due to carbamoyl phosphate synthetase 1 deficiency; CPS 1 deficiency; Carbamyl phosphate synthetase (CPS) deficiency; CPS I DEFICIENCY. Identifiers: Orphanet 147, MedGen C4082171, MONDO:0009376, OMIM 237300.

Allele frequency attached by ClinVar (database versions not stated): gnomAD exomes 0.00001; ExAC 0.00003; gnomAD 0.00003; TOPMed 0.00005; 1000 Genomes Project 0.00040; 1000 Genomes Project 30x 0.00047.
gnomAD v4.1: 16 of 1,612,432 alleles (0.00099%); highest among the groups gnomAD compares: Admixed American, 0.0084%; no homozygotes.

Submission:

Labcorp Genetics (formerly Invitae), Labcorp
Classification: Uncertain significance for Congenital hyperammonemia, type I. Last evaluated: 2024-01-18. Review status: criteria provided, single submitter. Criteria: Invitae Variant Classification Sherloc (09022015). Collection method: clinical testing. Allele origin: germline.
Comment: This sequence change replaces alanine, which is neutral and non-polar, with threonine, which is neutral and polar, at codon 340 of the CPS1 protein (p.Ala340Thr). This variant is present in population databases (rs534595442, gnomAD 0.01%). This variant has not been reported in the literature in individuals affected with CPS1-related conditions. ClinVar contains an entry for this variant (Variation ID: 2050374). Advanced modeling of protein sequence and biophysical properties (such as structural, functional, and spatial information, amino acid conservation, physicochemical variation, residue mobility, and thermodynamic stability) performed at Invitae indicates that this missense variant is not expected to disrupt CPS1 protein function with a negative predictive value of 95%. In summary, the available evidence is currently insufficient to determine the role of this variant in disease. Therefore, it has been classified as a Variant of Uncertain Significance.

NM_001875.5(CPS1):c.1018G>A (p.Ala340Thr)

Gene: CPS1 (carbamoyl-phosphate synthase 1; plus strand). Cytogenetic location: 2q34.
Variant type: single nucleotide variant.
Coding change: c.1018G>A on transcript NM_001875.5 (MANE Select); coding-DNA position 1018, G replaced by A.
Protein change: p.Ala340Thr; replaces alanine 340 with threonine.
Molecular consequence: missense variant. On other transcripts: non-coding transcript variant (1).
Genome position (GRCh38, 1-based): chr2:210,591,901, G>A. VCF-style: chr2-210591901-G-A. GRCh37 (hg19) VCF-style: chr2-211456625-G-A.
Other names: c.1018G>A, p.Ala340Thr (NM_001369257.1, NM_001122633.3); c.1051G>A, p.Ala351Thr (NM_001369256.1); short protein forms A340T, A351T.
Identifiers: ClinVar variation 2050374 (VCV002050374.2), dbSNP rs534595442, ClinGen allele CA2086219.